The following is an entry in ClinVar:

NM_000540.3(RYR1):c.10749G>T (p.Glu3583Asp)

Gene: RYR1 (ryanodine receptor 1; plus strand). Cytogenetic location: 19q13.2.
Variant type: single nucleotide variant.
Coding change: c.10749G>T on transcript NM_000540.3 (MANE Select); coding-DNA position 10749, G replaced by T.
Protein change: p.Glu3583Asp; replaces glutamic acid 3583 with aspartic acid.
Molecular consequence: missense variant.
Genome position (GRCh38, 1-based): chr19:38,527,709, G>T. VCF-style: chr19-38527709-G-T. GRCh37 (hg19) VCF-style: chr19-39018349-G-T.
Other names: c.10734G>T, p.Glu3578Asp (NM_001042723.2); short protein forms E3578D, E3583D.
Identifiers: ClinVar variation 3626955 (VCV003626955.2).

ClinVar aggregate classification (germline): Uncertain significance (1 of 4 stars; one submission).

Conditions:
RYR1-related disorder. Also called: RYR1-related condition; RYR1-related disorders. Identifiers: MedGen CN239331.

Submission:

Labcorp Genetics (formerly Invitae), Labcorp
Classification: Uncertain significance for RYR1-related disorder. Last evaluated: 2024-10-02. Review status: criteria provided, single submitter. Criteria: Invitae Variant Classification Sherloc (09022015). Collection method: clinical testing. Allele origin: germline.
Comment: This sequence change replaces glutamic acid, which is acidic and polar, with aspartic acid, which is acidic and polar, at codon 3583 of the RYR1 protein (p.Glu3583Asp). This variant is not present in population databases (gnomAD no frequency). This variant has not been reported in the literature in individuals affected with RYR1-related conditions. Invitae Evidence Modeling of protein sequence and biophysical properties (such as structural, functional, and spatial information, amino acid conservation, physicochemical variation, residue mobility, and thermodynamic stability) indicates that this missense variant is not expected to disrupt RYR1 protein function with a negative predictive value of 95%. In summary, the available evidence is currently insufficient to determine the role of this variant in disease. Therefore, it has been classified as a Variant of Uncertain Significance.